The following is an entry in ClinVar:

ClinVar aggregate classification (germline): Uncertain significance (1 of 4 stars; one submission).

gnomAD v4.1: 1 of 1,613,888 alleles (0.000062%); highest among the groups gnomAD compares: Admixed American, 0.0017%; no homozygotes.

Submission:

Labcorp Genetics (formerly Invitae), Labcorp
Classification: Uncertain significance. Last evaluated: 2022-04-09. Review status: criteria provided, single submitter. Criteria: Invitae Variant Classification Sherloc (09022015). Collection method: clinical testing. Allele origin: germline.
Comment: In summary, the available evidence is currently insufficient to determine the role of this variant in disease. Therefore, it has been classified as a Variant of Uncertain Significance. Algorithms developed to predict the effect of missense changes on protein structure and function (SIFT, PolyPhen-2, Align-GVGD) all suggest that this variant is likely to be tolerated. This variant has not been reported in the literature in individuals affected with FREM1-related conditions. This variant is not present in population databases (gnomAD no frequency). This sequence change replaces cysteine, which is neutral and slightly polar, with tryptophan, which is neutral and slightly polar, at codon 1590 of the FREM1 protein (p.Cys1590Trp).

NM_001379081.2(FREM1):c.4770C>G (p.Cys1590Trp)

Gene: FREM1 (FRAS1 related extracellular matrix 1; minus strand). Cytogenetic location: 9p22.3.
Variant type: single nucleotide variant.
Coding change: c.4770C>G on transcript NM_001379081.2 (MANE Select); coding-DNA position 4770, C replaced by G.
Protein change: p.Cys1590Trp; replaces cysteine 1590 with tryptophan.
Molecular consequence: missense variant. On other transcripts: non-coding transcript variant (2).
Genome position (GRCh38, 1-based): chr9:14,775,876, G>C on the plus strand (C>G on the coding strand, the complement: FREM1 is on the minus strand). VCF-style: chr9-14775876-G-C. GRCh37 (hg19) VCF-style: chr9-14775874-G-C.
Other names: c.378C>G, p.Cys126Trp (NM_001177704.3, NM_001370058.2, NM_001370061.2); c.4770C>G, p.Cys1590Trp (NM_144966.7); short protein forms C126W, C1590W.
Identifiers: ClinVar variation 1957265 (VCV001957265.5), dbSNP rs774860657, ClinGen allele CA372964414.